The following is an entry in ClinVar:

NM_001365951.3(KIF1B):c.5165T>G (p.Phe1722Cys)

Gene: KIF1B (kinesin family member 1B; plus strand). Cytogenetic location: 1p36.22.
Variant type: single nucleotide variant.
Coding change: c.5165T>G on transcript NM_001365951.3 (MANE Select); coding-DNA position 5165, T replaced by G.
Protein change: p.Phe1722Cys; replaces phenylalanine 1722 with cysteine.
Molecular consequence: missense variant.
Genome position (GRCh38, 1-based): chr1:10,374,922, T>G. VCF-style: chr1-10374922-T-G. GRCh37 (hg19) VCF-style: chr1-10434980-T-G.
Other names: c.5165T>G, p.Phe1722Cys (NM_001365952.1); c.5027T>G, p.Phe1676Cys (NM_015074.3); short protein forms F1676C, F1722C.
Identifiers: ClinVar variation 2625699 (VCV002625699.2), dbSNP rs371480227, ClinGen allele CA582278.

ClinVar aggregate classification (germline): Uncertain significance (1 of 4 stars; one submission).

Allele frequency attached by ClinVar (database versions not stated): TOPMed below 0.00001; ExAC 0.00001; ESP Exome Variant Server 0.00008.

Submission:

Ambry Genetics
Classification: Uncertain significance. Last evaluated: 2023-06-30. Review status: criteria provided, single submitter. Criteria: Ambry Variant Classification Scheme 2023. Collection method: clinical testing. Allele origin: germline.
Comment: The p.F1676C variant (also known as c.5027T>G), located in coding exon 44 of the KIF1B gene, results from a T to G substitution at nucleotide position 5027. The phenylalanine at codon 1676 is replaced by cysteine, an amino acid with highly dissimilar properties. This amino acid position is conserved. In addition, the in silico prediction for this alteration is inconclusive. Since supporting evidence is limited at this time, the clinical significance of this alteration remains unclear.